The following is an entry in ClinVar:

ClinVar aggregate classification (germline): Uncertain significance. Review status: criteria provided, multiple submitters, no conflicts (2 of 4 stars). 3 submissions from 3 submitters: Uncertain significance (3). Last evaluated 2026-02-05.

Conditions:
Hereditary cancer-predisposing syndrome. Also called: Hereditary Cancer Syndrome; Hereditary neoplastic syndrome; Neoplastic Syndromes, Hereditary; Tumor predisposition. Identifiers: Orphanet 140162, MedGen C0027672, MeSH D009386, MONDO:0015356.
Familial adenomatous polyposis 1 (FAP1). Also called: FAMILIAL ADENOMATOUS POLYPOSIS 1, ATTENUATED; POLYPOSIS, ADENOMATOUS INTESTINAL. Identifiers: MedGen C2713442, MONDO:0021056, OMIM 175100. Disease mechanism: loss of function.

Submissions (3):

GeneDx
Classification: Uncertain significance. Last evaluated: 2026-02-05. Review status: criteria provided, single submitter. Criteria: GeneDx Variant Classification Process June 2021. Collection method: clinical testing. Allele origin: germline.
Comment: Not observed at significant frequency in large population cohorts (gnomAD); In silico analysis suggests that this missense variant does not alter protein structure/function; Has not been previously published as pathogenic or benign to our knowledge; This variant is associated with the following publications: (PMID: 18199528)

Ambry Genetics
Classification: Uncertain significance for Hereditary cancer-predisposing syndrome. Last evaluated: 2025-01-17. Review status: criteria provided, single submitter. Criteria: Ambry Variant Classification Scheme 2023. Collection method: clinical testing. Allele origin: germline.
Comment: The p.Q1922R variant (also known as c.5765A>G), located in coding exon 15 of the APC gene, results from an A to G substitution at nucleotide position 5765. The glutamine at codon 1922 is replaced by arginine, an amino acid with highly similar properties. This amino acid position is highly conserved in available vertebrate species. In addition, in silico predictors for this gene do not accurately predict pathogenicity. Missense alterations in APC are not a common cause of disease (Spier I et al. Genet Med. 2024 Feb;26(2):100992). Based on the available evidence, the clinical significance of this variant remains unclear.

Labcorp Genetics (formerly Invitae), Labcorp
Classification: Uncertain significance for Familial adenomatous polyposis 1. Last evaluated: 2022-08-16. Review status: criteria provided, single submitter. Criteria: Invitae Variant Classification Sherloc (09022015). Collection method: clinical testing. Allele origin: germline.
Comment: In summary, the available evidence is currently insufficient to determine the role of this variant in disease. Therefore, it has been classified as a Variant of Uncertain Significance. Algorithms developed to predict the effect of missense changes on protein structure and function (SIFT, PolyPhen-2, Align-GVGD) all suggest that this variant is likely to be tolerated. ClinVar contains an entry for this variant (Variation ID: 1040940). This variant has not been reported in the literature in individuals affected with APC-related conditions. This variant is not present in population databases (gnomAD no frequency). This sequence change replaces glutamine, which is neutral and polar, with arginine, which is basic and polar, at codon 1922 of the APC protein (p.Gln1922Arg).

NM_000038.6(APC):c.5765A>G (p.Gln1922Arg)

Gene: APC (APC regulator of Wnt signaling pathway; plus strand). Cytogenetic location: 5q22.2.
Variant type: single nucleotide variant.
Coding change: c.5765A>G on transcript NM_000038.6 (MANE Select); coding-DNA position 5765, A replaced by G.
Protein change: p.Gln1922Arg; replaces glutamine 1922 with arginine.
Molecular consequence: missense variant.
Genome position (GRCh38, 1-based): chr5:112,841,359, A>G. VCF-style: chr5-112841359-A-G. GRCh37 (hg19) VCF-style: chr5-112177056-A-G.
Other names: c.5765A>G, p.Gln1922Arg (NM_001127510.3, NM_001354895.2); c.5711A>G, p.Gln1904Arg (NM_001127511.3); c.5819A>G, p.Gln1940Arg (NM_001354896.2); c.5795A>G, p.Gln1932Arg (NM_001354897.2); c.5690A>G, p.Gln1897Arg (NM_001354898.2); c.5681A>G, p.Gln1894Arg (NM_001354899.2); c.5642A>G, p.Gln1881Arg (NM_001354900.2); c.5588A>G, p.Gln1863Arg (NM_001354901.2); and 5 more; short protein forms Q1904R, Q1796R, Q1897R, Q1922R, Q1932R, Q1940R, Q1821R, Q1863R.
Identifiers: ClinVar variation 1040940 (VCV001040940.52), dbSNP rs1766037014, ClinGen allele CA16033945.